The following is an entry in ClinVar:

ClinVar aggregate classification (germline): Benign/Likely benign. Review status: criteria provided, multiple submitters, no conflicts (2 of 4 stars). 18 submissions from 18 submitters: Benign (11); Likely benign (3). 4 of the submissions do not count toward it. Last evaluated 2026-02-04.

Conditions:
Cardiovascular phenotype. Identifiers: MedGen CN230736.
Hypertrophic cardiomyopathy 15. Identifiers: MedGen C2750459, MONDO:0013200, OMIM 613255.
Dilated cardiomyopathy 1W (CMD1W). Identifiers: Orphanet 154, MedGen C1969639, MONDO:0012667, OMIM 611407.
Cardiomyopathy (CMYO). Also called: Cardiomyopathies. Identifiers: Orphanet 167848, MedGen C0878544, MONDO:0004994, HP:0001638. Inheritance: Various modes of inheritance.

Allele frequency attached by ClinVar (database versions not stated): 1000 Genomes Project 0.02177; gnomAD 0.00658 and 0.00763; TOPMed 0.00780; ExAC 0.01213; gnomAD exomes 0.01410 and 0.00459; 1000 Genomes Project 30x 0.02108; ESP Exome Variant Server 0.00046.
gnomAD v4.1: 7,946 of 1,614,188 alleles (0.49%); highest among the groups gnomAD compares: East Asian, 7.3%; 209 homozygotes.

Submissions (18):

Labcorp Genetics (formerly Invitae), Labcorp
Classification: Benign for Dilated cardiomyopathy 1W. Last evaluated: 2026-02-04. Review status: criteria provided, single submitter. Criteria: Invitae Variant Classification Sherloc (09022015). Collection method: clinical testing. Allele origin: germline.

Molecular Diagnostic Laboratory for Inherited Cardiovascular Disease, Montreal Heart Institute
Classification: Benign. Last evaluated: 2025-04-09. Review status: criteria provided, single submitter. Criteria: ACMG Guidelines, 2015. Collection method: clinical testing. Allele origin: germline. Affected: no.

Blueprint Genetics
Classification: Benign. Last evaluated: 2024-11-27. Review status: criteria provided, single submitter. Criteria: ACMG Guidelines, 2015. Collection method: clinical testing. Allele origin: germline.

ARUP Laboratories, Molecular Genetics and Genomics, ARUP Laboratories
Classification: Benign. Last evaluated: 2020-04-03. Review status: criteria provided, single submitter. Criteria: ARUP Molecular Germline Variant Investigation Process. Collection method: clinical testing. Allele origin: germline.

Mayo Clinic Laboratories, Mayo Clinic
Classification: Benign. Last evaluated: 2019-01-29. Review status: criteria provided, single submitter. Criteria: ACMG Guidelines, 2015. Collection method: clinical testing. Allele origin: germline. Observed: 17 variant alleles.

Illumina Laboratory Services, Illumina
Classification: Likely benign for Dilated cardiomyopathy 1W. Last evaluated: 2018-01-13. Review status: criteria provided, single submitter. Criteria: ICSL Variant Classification Criteria 13 December 2019. Collection method: clinical testing. Allele origin: germline.
Comment: This variant was observed in the ICSL laboratory as part of a predisposition screen in an ostensibly healthy population. It had not been previously curated by ICSL or reported in the Human Gene Mutation Database (HGMD: prior to June 1st, 2018), and was therefore a candidate for classification through an automated scoring system. Utilizing variant allele frequency, disease prevalence and penetrance estimates, and inheritance mode, an automated score was calculated to assess if this variant is too frequent to cause the disease. Based on the score and internal cut-off values, a variant classified as likely benign is not then subjected to further curation. The score for this variant resulted in a classification of likely benign for this disease.

Eurofins Ntd Llc (ga)
Classification: Benign. Last evaluated: 2016-11-17. Review status: criteria provided, single submitter. Criteria: EGL Classification Definitions 2015. Collection method: clinical testing. Allele origin: germline. Observed: 1 variant allele, 1 heterozygote.

CHEO Genetics Diagnostic Laboratory, Children's Hospital of Eastern Ontario
Classification: Benign for Cardiomyopathy. Last evaluated: 2015-11-19. Review status: criteria provided, single submitter. Criteria: ACMG Guidelines, 2015. Collection method: clinical testing. Allele origin: germline. Study: Canadian Open Genetics Repository.

Ambry Genetics
Classification: Benign for Cardiovascular phenotype. Last evaluated: 2015-06-19. Review status: criteria provided, single submitter. Criteria: Ambry Variant Classification Scheme 2023. Collection method: clinical testing. Allele origin: germline.

Biesecker Lab/Clinical Genomics Section, National Institutes of Health
Classification: Likely benign. Last evaluated: 2013-06-24. Review status: criteria provided, single submitter. Criteria: Ng et al. (Circ Cardiovasc Genet. 2013). Collection method: research. Allele origin: unknown. Observed: 8 variant alleles. Study: ClinSeq.
Comment: The study set was not selected for affection status in relation to any cancer. Pathogenicity categories were based on literature curation. See Pubmed ID:23861362 for details.

Medical sequencing

GeneDx
Classification: Benign. Last evaluated: 2012-10-03. Review status: criteria provided, single submitter. Criteria: GeneDx Variant Classification (06012015). Collection method: clinical testing. Allele origin: germline. Affected: yes.
Comment: This variant is considered likely benign or benign based on one or more of the following criteria: it is a conservative change, it occurs at a poorly conserved position in the protein, it is predicted to be benign by multiple in silico algorithms, and/or has population frequency not consistent with disease.

Laboratory for Molecular Medicine, Mass General Brigham Personalized Medicine
Classification: Benign. Last evaluated: 2012-04-03. Review status: criteria provided, single submitter. Criteria: LMM Criteria. Collection method: clinical testing. Allele origin: germline. Observed: 21 variant alleles.
Comment: Ala934Val in exon 19 of VCL: This variant is not expected to have clinical signi ficance because it has been identified in 2.5% (54/2160) chromosomes from a broa d, though clinically unspecified population (dbSNP rs16931179; 1000 Genomes proj ect).

Breakthrough Genomics
Classification: Likely benign. Review status: criteria provided, single submitter. Criteria: ACMG Guidelines, 2015. Collection method: not provided. Allele origin: germline. Inheritance: Autosomal dominant inheritance. Affected: yes.

PreventionGenetics, part of Exact Sciences
Classification: Benign. Review status: criteria provided, single submitter. Criteria: ACMG Guidelines, 2015. Collection method: clinical testing. Allele origin: germline.

Clinical Genetics DNA and cytogenetics Diagnostics Lab, Erasmus MC, Erasmus Medical Center
Classification: Benign. Review status: no assertion criteria provided. Collection method: clinical testing. Allele origin: germline. Affected: yes. Study: VKGL Data-share Consensus. Not counted in ClinVar's aggregate classification.

Clinical Genetics, Academic Medical Center
Classification: Benign. Review status: no assertion criteria provided. Collection method: clinical testing. Allele origin: germline. Affected: yes. Study: VKGL Data-share Consensus. Not counted in ClinVar's aggregate classification.

Genome Diagnostics Laboratory, University Medical Center Utrecht
Classification: Benign. Review status: no assertion criteria provided. Collection method: clinical testing. Allele origin: germline. Affected: yes. Study: VKGL Data-share Consensus. Not counted in ClinVar's aggregate classification.

Joint Genome Diagnostic Labs from Nijmegen and Maastricht, Radboudumc and MUMC+
Classification: Likely benign. Review status: no assertion criteria provided. Collection method: clinical testing. Allele origin: germline. Affected: yes. Study: VKGL Data-share Consensus. Not counted in ClinVar's aggregate classification.

NM_014000.3(VCL):c.2801C>T (p.Ala934Val)

Gene: VCL (vinculin; plus strand). Cytogenetic location: 10q22.2.
Variant type: single nucleotide variant.
Coding change: c.2801C>T on transcript NM_014000.3 (MANE Select); coding-DNA position 2801, C replaced by T.
Protein change: p.Ala934Val; replaces alanine 934 with valine.
Molecular consequence: missense variant. On other transcripts: intron variant (1).
Genome position (GRCh38, 1-based): chr10:74,111,964, C>T. VCF-style: chr10-74111964-C-T. GRCh37 (hg19) VCF-style: chr10-75871722-C-T.
Other names: p.A934V:GCC>GTC; c.2746-2220C>T (NM_003373.4); short protein forms A934V.
Identifiers: ClinVar variation 45599 (VCV000045599.42), dbSNP rs16931179, ClinGen allele CA136752.
Genomic context (GRCh38, chr10:74,111,964, plus strand): 5'-CAAAGCCGGGCATCCCAGCCGCTGAGGTGGGTATAGGTGTTGTAGCTGAGGCAGATGCGG[C>T]CGATGCTGCTGGCTTCCCTGTCCCCCCTGACATGGAAGACGATTACGAACCTGAGCTGCT-3'
Protein context (NP_054706.1, residues 924-944): GIGVVAEADA[Ala934Val]DAAGFPVPPD